The following is an entry in ClinVar:

ClinVar aggregate classification (germline): Likely benign (0 of 4 stars; one submission).

Conditions:
PALLD-related disorder. Also called: PALLD-related condition.

gnomAD v4.1: 1 of 1,614,120 alleles (0.000062%); highest among the groups gnomAD compares: Non-Finnish European, 0.000085%; no homozygotes.

Submission:

PreventionGenetics, part of Exact Sciences
Classification: Likely benign for PALLD-related condition. Last evaluated: 2022-10-14. Review status: no assertion criteria provided. Collection method: clinical testing. Allele origin: germline.
Comment: This variant is classified as likely benign based on ACMG/AMP sequence variant interpretation guidelines (Richards et al. 2015 PMID: 25741868, with internal and published modifications).

NM_001166108.2(PALLD):c.159C>A (p.Ser53=)

Gene: PALLD (palladin, cytoskeletal associated protein; plus strand). Cytogenetic location: 4q32.3.
Variant type: single nucleotide variant.
Coding change: c.159C>A on transcript NM_001166108.2 (MANE Select); coding-DNA position 159, C replaced by A.
Protein change: p.Ser53=; no amino-acid change (serine 53 retained).
Molecular consequence: synonymous variant.
Genome position (GRCh38, 1-based): chr4:168,511,663, C>A. VCF-style: chr4-168511663-C-A. GRCh37 (hg19) VCF-style: chr4-169432814-C-A.
Other names: c.159C>A, p.Ser53= (NM_016081.4).
Identifiers: ClinVar variation 3029261 (VCV003029261.2), dbSNP rs115481700, ClinGen allele CA442254551.